The following is an entry in ClinVar:

ClinVar aggregate classification (germline): Uncertain significance. Review status: criteria provided, multiple submitters, no conflicts (2 of 4 stars). 2 submissions from 2 submitters: Uncertain significance (2). Last evaluated 2025-02-07.

Conditions:
Parathyroid carcinoma (PRTC). Also called: Parathyroid gland carcinoma; CDC73-Related Parathyroid Carcinoma. Identifiers: Orphanet 143, MedGen C0687150, MONDO:0012004, OMIM 608266, HP:0006780.
Hereditary cancer-predisposing syndrome. Also called: Hereditary neoplastic syndrome; Neoplastic Syndromes, Hereditary; Tumor predisposition; Hereditary Cancer Syndrome. Identifiers: Orphanet 140162, MedGen C0027672, MeSH D009386, MONDO:0015356.

Allele frequency attached by ClinVar (database versions not stated): gnomAD exomes below 0.00001; ExAC 0.00001; gnomAD 0.00001; TOPMed 0.00002.
gnomAD v4.1: 7 of 1,613,526 alleles (0.00043%); highest among the groups gnomAD compares: Non-Finnish European, 0.00059%; no homozygotes.

Submissions (2):

Labcorp Genetics (formerly Invitae), Labcorp
Classification: Uncertain significance for Parathyroid carcinoma. Last evaluated: 2025-02-07. Review status: criteria provided, single submitter. Criteria: Invitae Variant Classification Sherloc (09022015). Collection method: clinical testing. Allele origin: germline.
Comment: This sequence change replaces alanine, which is neutral and non-polar, with threonine, which is neutral and polar, at codon 128 of the CDC73 protein (p.Ala128Thr). This variant is present in population databases (rs756584058, gnomAD 0.0009%). This variant has not been reported in the literature in individuals affected with CDC73-related conditions. ClinVar contains an entry for this variant (Variation ID: 565343). Invitae Evidence Modeling of protein sequence and biophysical properties (such as structural, functional, and spatial information, amino acid conservation, physicochemical variation, residue mobility, and thermodynamic stability) indicates that this missense variant is not expected to disrupt CDC73 protein function with a negative predictive value of 80%. In summary, the available evidence is currently insufficient to determine the role of this variant in disease. Therefore, it has been classified as a Variant of Uncertain Significance.

Ambry Genetics
Classification: Uncertain significance for Hereditary cancer-predisposing syndrome. Last evaluated: 2024-02-15. Review status: criteria provided, single submitter. Criteria: Ambry Variant Classification Scheme 2023. Collection method: clinical testing. Allele origin: germline.
Comment: The p.A128T variant (also known as c.382G>A), located in coding exon 5 of the CDC73 gene, results from a G to A substitution at nucleotide position 382. The alanine at codon 128 is replaced by threonine, an amino acid with similar properties. This amino acid position is highly conserved in available vertebrate species. In addition, this alteration is predicted to be tolerated by in silico analysis. Based on the available evidence, the clinical significance of this alteration remains unclear.

NM_024529.5(CDC73):c.382G>A (p.Ala128Thr)

Gene: CDC73 (cell division cycle 73; plus strand). Cytogenetic location: 1q31.2.
Variant type: single nucleotide variant.
Coding change: c.382G>A on transcript NM_024529.5 (MANE Select); coding-DNA position 382, G replaced by A.
Protein change: p.Ala128Thr; replaces alanine 128 with threonine.
Molecular consequence: missense variant.
Genome position (GRCh38, 1-based): chr1:193,135,548, G>A. VCF-style: chr1-193135548-G-A. GRCh37 (hg19) VCF-style: chr1-193104678-G-A.
Other names: short protein forms A128T.
Identifiers: ClinVar variation 565343 (VCV000565343.10), dbSNP rs756584058, ClinGen allele CA1303352.
Genomic context (GRCh38, chr1:193,135,548, plus strand): 5'-GAAGCCCATTCCAAAACTACACATTTATTTACTTCTCTTTCTTTTATAGTCAAACGAGCT[G>A]CAGATGAAGTTTTAGCAGAAGCAAAGAAACCACGAATTGAGGTAAAGAAACTGTATTTTA-3'
Protein context (NP_078805.3, residues 118-138): LQRSTQVKRA[Ala128Thr]DEVLAEAKKP